The following is an entry in ClinVar:

NM_002381.5(MATN3):c.653A>G (p.Tyr218Cys)

Gene: MATN3 (matrilin 3; minus strand). Cytogenetic location: 2p24.1.
Variant type: single nucleotide variant.
Coding change: c.653A>G on transcript NM_002381.5 (MANE Select); coding-DNA position 653, A replaced by G.
Protein change: p.Tyr218Cys; replaces tyrosine 218 with cysteine.
Molecular consequence: missense variant.
Genome position (GRCh38, 1-based): chr2:20,005,881, T>C on the plus strand (A>G on the coding strand, the complement: MATN3 is on the minus strand). VCF-style: chr2-20005881-T-C. GRCh37 (hg19) VCF-style: chr2-20205642-T-C.
Other names: short protein forms Y218C.
Identifiers: ClinVar variation 843499 (VCV000843499.18), dbSNP rs1673092558, ClinGen allele CA345950650.
Genomic context (GRCh38, chr2:20,005,881, plus strand): 5'-AGGGGCTCACTGGCCATCATCTTGAGGGACGCCATGTCTGCCCGGTCCACGCCCACAGCA[T>C]AGAGCTCAATACCAGATGCTTGGGCCCGAGCCGCCACCTCATTCACCTGGTCCTGGGGCC-3'
Protein context (NP_002372.1, residues 208-228): ARAQASGIEL[Tyr218Cys]AVGVDRADMA

ClinVar aggregate classification (germline): Conflicting classifications of pathogenicity. Review status: criteria provided, conflicting classifications (1 of 4 stars). 3 submissions from 3 submitters: Likely pathogenic (2); Uncertain significance (1). Last evaluated 2025-07-10.

Conditions:
Multiple epiphyseal dysplasia type 5 (EDM5). Also called: Microepiphyseal dysplasia, bilateral hereditary; MATN3-Related Multiple Epiphyseal Dysplasia. Identifiers: Orphanet 93311, MedGen C1846843, MONDO:0011765, OMIM 607078.

Submissions (3):

Labcorp Genetics (formerly Invitae), Labcorp
Classification: Likely pathogenic. Last evaluated: 2025-07-10. Review status: criteria provided, single submitter. Criteria: Invitae Variant Classification Sherloc (09022015). Collection method: clinical testing. Allele origin: germline.
Comment: This sequence change replaces tyrosine, which is neutral and polar, with cysteine, which is neutral and slightly polar, at codon 218 of the MATN3 protein (p.Tyr218Cys). This variant is not present in population databases (gnomAD no frequency). This missense change has been observed in individuals with clinical features of epiphyseal dysplasia (internal data). It has also been observed to segregate with disease in related individuals. ClinVar contains an entry for this variant (Variation ID: 843499). Invitae Evidence Modeling of protein sequence and biophysical properties (such as structural, functional, and spatial information, amino acid conservation, physicochemical variation, residue mobility, and thermodynamic stability) indicates that this missense variant is expected to disrupt MATN3 protein function with a positive predictive value of 80%. This variant disrupts the p.Tyr218 amino acid residue in MATN3. Other variant(s) that disrupt this residue have been observed in individuals with MATN3-related conditions (PMID: 16287128), which suggests that this may be a clinically significant amino acid residue. In summary, the currently available evidence indicates that the variant is pathogenic, but additional data are needed to prove that conclusively. Therefore, this variant has been classified as Likely Pathogenic.

Greenwood Genetic Center Diagnostic Laboratories, Greenwood Genetic Center
Classification: Uncertain significance. Last evaluated: 2020-08-06. Review status: criteria provided, single submitter. Criteria: ACMG Guidelines, 2015. Collection method: clinical testing. Allele origin: germline. Affected: yes.

Neuberg Centre For Genomic Medicine, NCGM
Classification: Likely pathogenic for Multiple epiphyseal dysplasia type 5. Review status: criteria provided, single submitter. Criteria: ACMG Guidelines, 2015. Collection method: clinical testing. Allele origin: germline. Inheritance: Autosomal dominant inheritance. Affected: yes.
Comment: The missense c.653A>G(p.Tyr218Cys) variant in the MATN3 gene which is located in a mutational hot spot has not been reported previously as a pathogenic variant nor as a benign variant, to our knowledge. Different amino acid change (p.Tyr218Asn) is reported as a known pathogenic variant (Cotterill et al., 2005). This variant that disrupt the residue has been observed in individuals with MATN3-related conditions. The p.Tyr218Cys variant has been reported to the ClinVar database as Likely pathogenic/ Uncertain significance. This variant is absent in the gnomAD Exomes. The amino acid Tyrosine at position 218 is changed to a Cysteine changing protein sequence and it might alter its composition and physico-chemical properties. Multiple lines of computational evidence (Polyphen - Damaging, SIFT - Damaging and MutationTaster - Disease causing) predict a damaging effect on protein structure and function for this variant. The amino acid change p.Tyr218Cys in MATN3 is predicted as conserved by GERP++ and PhyloP across 100 vertebrates. However additional functional evidence will be required to prove the pathogenicity. For these reasons, this variant has been classified as Likely Pathogenic.

Literature cited by the submitters: PubMed 16287128 (cited by Labcorp Genetics (formerly Invitae), Labcorp).